The following is an entry in ClinVar:

ClinVar aggregate classification (germline): Uncertain significance. Review status: criteria provided, multiple submitters, no conflicts (2 of 4 stars). 2 submissions from 2 submitters: Uncertain significance (2). Last evaluated 2025-11-03.

Conditions:
PCNT-related disorder. Also called: PCNT-related condition.

Allele frequency attached by ClinVar (database versions not stated): TOPMed 0.00003; gnomAD 0.00004; ExAC 0.00008; 1000 Genomes Project 30x 0.00016; 1000 Genomes Project 0.00020.
gnomAD v4.1: 71 of 1,614,008 alleles (0.0044%); highest among the groups gnomAD compares: Middle Eastern, 0.017%; no homozygotes.

Submissions (2):

PreventionGenetics, part of Exact Sciences
Classification: Uncertain significance for PCNT-related condition. Last evaluated: 2025-11-03. Review status: criteria provided, single submitter. Criteria: ACMG Guidelines, 2015. Collection method: clinical testing. Allele origin: germline.
Comment: The PCNT c.4948C>T variant is predicted to result in the amino acid substitution p.Arg1650Trp. To our knowledge, this variant has not been reported in the literature. This variant is reported in 0.012% of alleles in individuals of European (Finnish) descent in gnomAD. At this time, the clinical significance of this variant is uncertain due to the absence of conclusive functional and genetic evidence.

Labcorp Genetics (formerly Invitae), Labcorp
Classification: Uncertain significance. Last evaluated: 2024-08-02. Review status: criteria provided, single submitter. Criteria: Invitae Variant Classification Sherloc (09022015). Collection method: clinical testing. Allele origin: germline.
Comment: This sequence change replaces arginine, which is basic and polar, with tryptophan, which is neutral and slightly polar, at codon 1650 of the PCNT protein (p.Arg1650Trp). This variant is present in population databases (rs201187205, gnomAD 0.01%). This variant has not been reported in the literature in individuals affected with PCNT-related conditions. An algorithm developed to predict the effect of missense changes on protein structure and function (PolyPhen-2) suggests that this variant¬†is likely to be tolerated. In summary, the available evidence is currently insufficient to determine the role of this variant in disease. Therefore, it has been classified as a Variant of Uncertain Significance.

NM_006031.6(PCNT):c.4948C>T (p.Arg1650Trp)

Gene: PCNT (pericentrin; plus strand). Cytogenetic location: 21q22.3.
Variant type: single nucleotide variant.
Coding change: c.4948C>T on transcript NM_006031.6 (MANE Select); coding-DNA position 4948, C replaced by T.
Protein change: p.Arg1650Trp; replaces arginine 1650 with tryptophan.
Molecular consequence: missense variant.
Genome position (GRCh38, 1-based): chr21:46,401,707, C>T. VCF-style: chr21-46401707-C-T. GRCh37 (hg19) VCF-style: chr21-47821621-C-T.
Other names: c.4594C>T, p.Arg1532Trp (NM_001315529.2); short protein forms R1532W, R1650W.
Identifiers: ClinVar variation 3051565 (VCV003051565.4), dbSNP rs201187205, ClinGen allele CA10079823.
Genomic context (GRCh38, chr21:46,401,707, plus strand): 5'-TCGGGCAGCCCTCCTGAGGGTCCAGAAATACAGTTAGAGGTGACACAGAGAGCACTCCTG[C>T]GGCGCGAGAGCGAGGTGAGTGCAGAGTGGGGCCATGGGACTGCCAGCCCTGGGTCAGTGT-3'
Protein context (NP_006022.3, residues 1640-1660): QLEVTQRALL[Arg1650Trp]RESEVLDLKE